The following is an entry in ClinVar:

ClinVar aggregate classification (germline): Likely pathogenic (1 of 4 stars; one submission).

Conditions:
Intellectual developmental disorder, X-linked 90. Also called: DLG3-Related X-Linked Nonsyndromic Mental Retardation; Intellectual disability, X-linked 90. Identifiers: Orphanet 777, MedGen C3275443, MONDO:0010452, OMIM 300850.

Submission:

Equipe Genetique des Anomalies du Developpement, Université de Bourgogne
Classification: Likely pathogenic for Intellectual developmental disorder, X-linked 90. Last evaluated: 2025-01-31. Review status: criteria provided, single submitter. Criteria: ACMG Guidelines, 2015. Collection method: clinical testing. Allele origin: germline. Affected: yes.
Comment: This variant is a nonsense at position 231 and is present in a hemizygous state. Hemizygous pathogenic variants in DLG3 are reported in an autosomal dominant intellectual disability (OMIM #300850). This variant is not present in population database gnomAD (v4.1.0). It has not been reported in ClinVar and in the literature. Based on these evidences, the variant was classified as likely pathogenic.

NM_021120.4(DLG3):c.691A>T (p.Lys231Ter)

Gene: DLG3 (discs large MAGUK scaffold protein 3; plus strand). Cytogenetic location: Xq13.1.
Variant type: single nucleotide variant.
Coding change: c.691A>T on transcript NM_021120.4 (MANE Select); coding-DNA position 691, A replaced by T.
Protein change: p.Lys231Ter; replaces lysine 231 with a stop codon.
Molecular consequence: nonsense.
Genome position (GRCh38, 1-based): chrX:70,449,847, A>T. VCF-style: chrX-70449847-A-T. GRCh37 (hg19) VCF-style: chrX-69669697-A-T.
Other names: short protein forms K231*.
Identifiers: ClinVar variation 3770144 (VCV003770144.1).